The following is an entry in ClinVar:

NM_001042492.3(NF1):c.7303_7304del (p.Ser2435fs)

Gene: NF1 (neurofibromin 1; plus strand). Cytogenetic location: 17q11.2.
Variant type: Microsatellite.
Coding change: c.7303_7304del on transcript NM_001042492.3 (MANE Select); coding-DNA positions 7303 to 7304, 2 bases deleted (AG; older notation c.7303_7304delAG).
Protein change: p.Ser2435fs; shifts the reading frame from serine 2435.
Molecular consequence: frameshift variant.
Genome position (GRCh38, 1-based): chr17:31,349,233-31,349,234, AG deleted; deleting any 2 consecutive bases within chr17:31,349,231-31,349,234 gives the same sequence; the c. name uses the placement nearest the transcript's 3' end. VCF-style (leftmost placement, unchanged base first): chr17-31349230-CAG-C. GRCh37 (hg19) VCF-style: chr17-29676248-CAG-C.
Other names: c.7240_7241delAG (NM_000267.3); c.7238_7239AG[1], p.Ser2414Argfs (NM_000267.4); short protein forms S2435fs, S2414fs.
Identifiers: ClinVar variation 659543 (VCV000659543.17), dbSNP rs1597858594, ClinGen allele CA915949836.

ClinVar aggregate classification (germline): Pathogenic. Review status: criteria provided, multiple submitters, no conflicts (2 of 4 stars). 6 submissions from 6 submitters: Pathogenic (6). Last evaluated 2025-04-21.

Conditions:
Cardiovascular phenotype. Identifiers: MedGen CN230736.
Hereditary cancer-predisposing syndrome. Also called: Neoplastic Syndromes, Hereditary; Hereditary neoplastic syndrome; Hereditary Cancer Syndrome; Tumor predisposition. Identifiers: Orphanet 140162, MedGen C0027672, MeSH D009386, MONDO:0015356.
Juvenile myelomonocytic leukemia (JMML). Also called: LEUKEMIA, JUVENILE MYELOMONOCYTIC, SOMATIC. Identifiers: Orphanet 86834, MedGen C0349639, MONDO:0011908, OMIM 607785, HP:0012209.
Neurofibromatosis, type 1 (NF1). Also called: VON RECKLINGHAUSEN DISEASE; NEUROFIBROMATOSIS, TYPE I, SOMATIC; Peripheral type neurofibromatosis; Neurofibromatosis, type I. Identifiers: Orphanet 636, MedGen C0027831, MONDO:0018975, OMIM 162200. Disease mechanism: loss of function.

Submissions (6):

Ambry Genetics
Classification: Pathogenic for Cardiovascular phenotype; Hereditary cancer-predisposing syndrome. Last evaluated: 2025-04-21. Review status: criteria provided, single submitter. Criteria: Ambry Variant Classification Scheme 2023. Collection method: clinical testing. Allele origin: germline.
Comment: The c.7240_7241delAG pathogenic mutation, located in coding exon 48 of the NF1 gene, results from a deletion of two nucleotides at nucleotide positions 7240 to 7241, causing a translational frameshift with a predicted alternate stop codon (p.S2414Rfs*12). This alteration was identified in cohort of 374 patients undergoing genetic testing due to a diagnosis or clinical suspicion of neurofibromatosis type 1 (Pros E et al. Hum Mutat, 2008 Sep;29:E173-93). This variant is considered to be rare based on population cohorts in the Genome Aggregation Database (gnomAD). In addition to the clinical data presented in the literature, this alteration is expected to result in loss of function by premature protein truncation or nonsense-mediated mRNA decay. As such, this alteration is interpreted as a disease-causing mutation.

Labcorp Genetics (formerly Invitae), Labcorp
Classification: Pathogenic for Neurofibromatosis, type 1. Last evaluated: 2022-11-16. Review status: criteria provided, single submitter. Criteria: Invitae Variant Classification Sherloc (09022015). Collection method: clinical testing. Allele origin: germline.
Comment: For these reasons, this variant has been classified as Pathogenic. ClinVar contains an entry for this variant (Variation ID: 659543). This premature translational stop signal has been observed in individual(s) with a diagnosis or clinical suspicion of neurofibromatosis type 1 (PMID: 18546366). This variant is not present in population databases (gnomAD no frequency). This sequence change creates a premature translational stop signal (p.Ser2414Argfs*12) in the NF1 gene. It is expected to result in an absent or disrupted protein product. Loss-of-function variants in NF1 are known to be pathogenic (PMID: 10712197, 23913538).

GeneDx
Classification: Pathogenic. Last evaluated: 2022-11-01. Review status: criteria provided, single submitter. Criteria: GeneDx Variant Classification Process June 2021. Collection method: clinical testing. Allele origin: germline. Affected: yes.
Comment: Frameshift variant predicted to result in protein truncation or nonsense mediated decay in a gene for which loss-of-function is a known mechanism of disease; Not observed in large population cohorts (gnomAD); This variant is associated with the following publications: (PMID: 18546366, 33443663)

Genome-Nilou Lab
Classification: Pathogenic for Neurofibromatosis, type 1. Last evaluated: 2022-03-15. Review status: criteria provided, single submitter. Criteria: ACMG Guidelines, 2015. Collection method: clinical testing. Allele origin: germline. Affected: no.

Baylor Genetics
Classification: Pathogenic for Juvenile myelomonocytic leukemia. Last evaluated: 2021-08-20. Review status: criteria provided, single submitter. Criteria: ACMG Guidelines, 2015. Collection method: clinical testing. Allele origin: unknown.

Genome Diagnostics Laboratory, The Hospital for Sick Children
Classification: Pathogenic for Neurofibromatosis, type 1. Last evaluated: 2020-10-26. Review status: criteria provided, single submitter. Criteria: ACMG Guidelines, 2015. Collection method: clinical testing. Allele origin: germline. Affected: yes.

Literature cited by the submitters: PubMed 18546366 (cited by Ambry Genetics and Labcorp Genetics (formerly Invitae), Labcorp); PubMed 10712197 (cited by Labcorp Genetics (formerly Invitae), Labcorp); PubMed 23913538 (cited by Labcorp Genetics (formerly Invitae), Labcorp).